The following is an entry in ClinVar:

ClinVar aggregate classification (germline): Uncertain significance (1 of 4 stars; one submission).

Conditions:
Werner syndrome (WRN). Identifiers: Orphanet 902, MedGen C0043119, MONDO:0010196, OMIM 277700.

gnomAD v4.1: 1 of 1,613,970 alleles (0.000062%); highest among the groups gnomAD compares: Non-Finnish European, 0.000085%; no homozygotes.

Submission:

Labcorp Genetics (formerly Invitae), Labcorp
Classification: Uncertain significance for Werner syndrome. Last evaluated: 2020-11-23. Review status: criteria provided, single submitter. Criteria: Invitae Variant Classification Sherloc (09022015). Collection method: clinical testing. Allele origin: germline.
Comment: In summary, the available evidence is currently insufficient to determine the role of this variant in disease. Therefore, it has been classified as a Variant of Uncertain Significance. Algorithms developed to predict the effect of missense changes on protein structure and function output the following: SIFT: "Not Available"; PolyPhen-2: "Benign"; Align-GVGD: "Not Available". The threonine amino acid residue is found in multiple mammalian species, suggesting that this missense change does not adversely affect protein function. These predictions have not been confirmed by published functional studies and their clinical significance is uncertain. This variant has not been reported in the literature in individuals with WRN-related conditions. This variant is not present in population databases (ExAC no frequency). This sequence change replaces alanine with threonine at codon 1277 of the WRN protein (p.Ala1277Thr). The alanine residue is moderately conserved and there is a small physicochemical difference between alanine and threonine.

NM_000553.6(WRN):c.3829G>A (p.Ala1277Thr)

Gene: WRN (WRN RecQ like helicase; plus strand). Cytogenetic location: 8p12.
Variant type: single nucleotide variant.
Coding change: c.3829G>A on transcript NM_000553.6 (MANE Select); coding-DNA position 3829, G replaced by A.
Protein change: p.Ala1277Thr; replaces alanine 1277 with threonine.
Molecular consequence: missense variant.
Genome position (GRCh38, 1-based): chr8:31,157,377, G>A. VCF-style: chr8-31157377-G-A. GRCh37 (hg19) VCF-style: chr8-31014893-G-A.
Other names: short protein forms A1277T.
Identifiers: ClinVar variation 1464108 (VCV001464108.6), dbSNP rs2130480095, ClinGen allele CA370929292.